The following is an entry in ClinVar:

ClinVar aggregate classification (germline): Uncertain significance (1 of 4 stars; one submission).

gnomAD v4.1: 40 of 1,610,744 alleles (0.0025%); highest among the groups gnomAD compares: Middle Eastern, 0.016%; no homozygotes.

Submission:

Labcorp Genetics (formerly Invitae), Labcorp
Classification: Uncertain significance. Last evaluated: 2025-01-23. Review status: criteria provided, single submitter. Criteria: Invitae Variant Classification Sherloc (09022015). Collection method: clinical testing. Allele origin: germline.
Comment: This sequence change replaces valine, which is neutral and non-polar, with methionine, which is neutral and non-polar, at codon 103 of the AQP1 protein (p.Val103Met). This variant is present in population databases (rs762474222, gnomAD 0.01%). This variant has not been reported in the literature in individuals affected with AQP1-related conditions. Invitae Evidence Modeling of protein sequence and biophysical properties (such as structural, functional, and spatial information, amino acid conservation, physicochemical variation, residue mobility, and thermodynamic stability) indicates that this missense variant is not expected to disrupt AQP1 protein function with a negative predictive value of 80%. In summary, the available evidence is currently insufficient to determine the role of this variant in disease. Therefore, it has been classified as a Variant of Uncertain Significance.

NM_198098.4(AQP1):c.307G>A (p.Val103Met)

Gene: AQP1 (aquaporin 1 (Colton blood group); plus strand). Cytogenetic location: 7p14.3.
Variant type: single nucleotide variant.
Coding change: c.307G>A on transcript NM_198098.4 (MANE Select); coding-DNA position 307, G replaced by A.
Protein change: p.Val103Met; replaces valine 103 with methionine.
Molecular consequence: missense variant.
Genome position (GRCh38, 1-based): chr7:30,912,216, G>A. VCF-style: chr7-30912216-G-A. GRCh37 (hg19) VCF-style: chr7-30951831-G-A.
Other names: c.307G>A, p.Val103Met (NM_001329872.2); short protein forms V103M.
Identifiers: ClinVar variation 3612238 (VCV003612238.2).
Genomic context (GRCh38, chr7:30,912,216, plus strand): 5'-CTGCTGCTCAGCTGCCAGATCAGCATCTTCCGTGCCCTCATGTACATCATCGCCCAGTGC[G>A]TGGGGGCCATCGTCGCCACCGCCATCCTCTCAGGCATCACCTCCTCCCTGACTGGGAACT-3'
Protein context (NP_932766.1, residues 93-113): RALMYIIAQC[Val103Met]GAIVATAILS